The following is an entry in ClinVar:

ClinVar aggregate classification (germline): Likely pathogenic (1 of 4 stars; one submission).

Conditions:
Rhizomelic chondrodysplasia punctata (RCDP). Identifiers: Orphanet 177, MedGen C0282529, MONDO:0015776. Disease mechanism: loss of function.

Submission:

Natera, Inc.
Classification: Likely pathogenic for Rhizomelic Chondrodysplasia Punctata. Last evaluated: 2025-10-19. Review status: criteria provided, single submitter. Criteria: Natera Variant Classification Schema (03/2026). Collection method: clinical testing. Allele origin: germline.
Comment: The c.766_770dupTCTGT variant in PEX7 is a frameshift variant predicted to shift the reading frame beginning at codon 259 and leads to a stop codon 11 codons downstream. This variant is expected to result in nonsense mediated decay, truncation, or a dysfunctional protein product. This variant is rare in the general population with a frequency below the threshold expected for the associated phenotype(s). Given the available evidence, this variant is classified as Likely Pathogenic.

NM_000288.4(PEX7):c.766_770dup (p.Ala259fs)

Gene: PEX7 (peroxisomal biogenesis factor 7; plus strand). Cytogenetic location: 6q23.3.
Variant type: Duplication.
Coding change: c.766_770dup on transcript NM_000288.4 (MANE Select); coding-DNA positions 766 to 770, 5 bases duplicated (TCTGT; older notation c.766_770dupTCTGT).
Protein change: p.Ala259fs; shifts the reading frame from alanine 259.
Molecular consequence: frameshift variant.
Genome position (GRCh38, 1-based): chr6:136,872,216-136,872,220, TCTGT duplicated; duplicating any 5 consecutive bases within chr6:136,872,215-136,872,220 gives the same sequence; the c. name uses the placement nearest the transcript's 3' end. VCF-style (leftmost placement, unchanged base first): chr6-136872214-C-CTTCTG. GRCh37 (hg19) VCF-style: chr6-137193352-C-CTTCTG.
Other names: c.652_656dup, p.Ala221fs (NM_001410945.1); short protein forms A221fs, A259fs.
Identifiers: ClinVar variation 4818130 (VCV004818130.1).
Genomic context (GRCh38, chr6:136,872,214, plus strand): 5'-AGCTGACTTCAAAAAGGGTTTTTTTTTTCTTTTTTTTTTTGTAGTTTTCACCATTTCATG[C>CTTCTG]TTCTGTGCTGGCCTCTTGCTCGTATGATTTTACTGTAAGGTACAGTGGTTTTTAATACAT-3'